The following is an entry in ClinVar:

ClinVar aggregate classification (germline): Likely pathogenic (1 of 4 stars; one submission).

Conditions:
Fabry disease. Also called: ALPHA-GALACTOSIDASE A DEFICIENCY; ANDERSON-FABRY DISEASE; CERAMIDE TRIHEXOSIDASE DEFICIENCY; GLA DEFICIENCY; HEREDITARY DYSTOPIC LIPIDOSIS; Angiokeratoma corporis diffusum. Identifiers: Orphanet 324, MedGen C0002986, MONDO:0010526, OMIM 301500, HP:0001071. Disease mechanism: Fabry disease is due to inactivating mutations in the X-linked GLA gene resulting in deficiency of the enzyme Alpha Galactosidase-A., loss of function.

Submission:

Genomenon, Inc
Classification: Likely pathogenic for Fabry disease. Last evaluated: 2026-09-08. Review status: criteria provided, single submitter. Criteria: Genomenon Sequence Variant Interpretation Standards - Updated. Collection method: curation. Allele origin: germline. Affected: yes.
Comment: GLA p.Ile303Ser (c.908T>G) is a missense variant that changes the amino acid at codon 303 from Isoleucine to Serine. This variant has been observed in at least one proband with clinical features consistent with Fabry disease (PMID:38002959). The presence of pathogenic/likely pathogenic missense variant(s) at the same amino acid position indicates that this residue is likely important for protein function. It is absent or not present at a significant frequency in gnomAD. In silico models predict that this variant is possibly or probably damaging. In conclusion, we classify GLA p.Ile303Ser (c.908T>G) as a likely pathogenic variant.

Literature cited by the submitters: PubMed 38002959.

NM_000169.3(GLA):c.908T>G (p.Ile303Ser)

Genes: GLA (galactosidase alpha; minus strand), RPL36A-HNRNPH2 (RPL36A-HNRNPH2 readthrough; plus strand). Cytogenetic location: Xq22.1.
Variant type: single nucleotide variant.
Coding change: c.908T>G on transcript NM_000169.3 (MANE Select); coding-DNA position 908, T replaced by G.
Protein change: p.Ile303Ser; replaces isoleucine 303 with serine.
Molecular consequence: missense variant. On other transcripts: non-coding transcript variant (3), intron variant (2).
Genome position (GRCh38, 1-based): chrX:101,398,461, A>C on the plus strand (T>G on the coding strand, the complement: GLA is on the minus strand). VCF-style: chrX-101398461-A-C. GRCh37 (hg19) VCF-style: chrX-100653449-A-C.
Other names: c.1031T>G, p.Ile344Ser (NM_001406747.1); c.908T>G, p.Ile303Ser (NM_001406748.1); c.300+3004A>C (NM_001199973.2); c.177+6639A>C (NM_001199974.2); short protein forms I303S, I344S.
Identifiers: ClinVar variation 4087576 (VCV004087576.2).